The following is an entry in ClinVar:

NM_001113378.2(FANCI):c.2071G>A (p.Glu691Lys)

Gene: FANCI (FA complementation group I; plus strand). Cytogenetic location: 15q26.1.
Variant type: single nucleotide variant.
Coding change: c.2071G>A on transcript NM_001113378.2 (MANE Select); coding-DNA position 2071, G replaced by A.
Protein change: p.Glu691Lys; replaces glutamic acid 691 with lysine.
Molecular consequence: missense variant.
Genome position (GRCh38, 1-based): chr15:89,292,766, G>A. VCF-style: chr15-89292766-G-A. GRCh37 (hg19) VCF-style: chr15-89835997-G-A.
Other names: c.1792G>A, p.Glu598Lys (NM_001376910.1); c.2071G>A, p.Glu691Lys (NM_001376911.1, NM_018193.3); short protein forms E691K, E598K.
Identifiers: ClinVar variation 571747 (VCV000571747.7), dbSNP rs144419129, ClinGen allele CA7723274.

ClinVar aggregate classification (germline): Uncertain significance. Review status: criteria provided, multiple submitters, no conflicts (2 of 4 stars). 3 submissions from 3 submitters: Uncertain significance (3). Last evaluated 2024-11-25.

Conditions:
Fanconi anemia (FA). Also called: Fanconi's anemia. Identifiers: Orphanet 84, MedGen C0015625, MeSH D005199, MONDO:0019391.
Fanconi anemia complementation group I (FANCI). Also called: FANCI-Related Fanconi Anemia. Identifiers: Orphanet 84, MedGen C1836861, MONDO:0012186, OMIM 609053.

Allele frequency attached by ClinVar (database versions not stated): ExAC 0.00002; gnomAD exomes 0.00004 and 0.00013; TOPMed 0.00006; gnomAD 0.00009; ESP Exome Variant Server 0.00023.
gnomAD v4.1: 193 of 1,613,682 alleles (0.012%); highest among the groups gnomAD compares: Non-Finnish European, 0.016%; no homozygotes.

Submissions (3):

Blueprint Genetics
Classification: Uncertain significance. Last evaluated: 2024-11-25. Review status: criteria provided, single submitter. Criteria: ACMG Guidelines, 2015. Collection method: clinical testing. Allele origin: germline.

Labcorp Genetics (formerly Invitae), Labcorp
Classification: Uncertain significance for Fanconi anemia. Last evaluated: 2024-10-08. Review status: criteria provided, single submitter. Criteria: Invitae Variant Classification Sherloc (09022015). Collection method: clinical testing. Allele origin: germline.
Comment: This sequence change replaces glutamic acid, which is acidic and polar, with lysine, which is basic and polar, at codon 691 of the FANCI protein (p.Glu691Lys). This variant is present in population databases (rs144419129, gnomAD 0.008%). This variant has not been reported in the literature in individuals affected with FANCI-related conditions. ClinVar contains an entry for this variant (Variation ID: 571747). Invitae Evidence Modeling of protein sequence and biophysical properties (such as structural, functional, and spatial information, amino acid conservation, physicochemical variation, residue mobility, and thermodynamic stability) indicates that this missense variant is expected to disrupt FANCI protein function with a positive predictive value of 80%. In summary, the available evidence is currently insufficient to determine the role of this variant in disease. Therefore, it has been classified as a Variant of Uncertain Significance.

Fulgent Genetics
Classification: Uncertain significance for Fanconi anemia complementation group I. Last evaluated: 2018-10-31. Review status: criteria provided, single submitter. Criteria: ACMG Guidelines, 2015. Collection method: clinical testing. Allele origin: unknown.